The following is an entry in ClinVar:

ClinVar aggregate classification (germline): Likely pathogenic. Review status: criteria provided, single submitter (1 of 4 stars). 2 submissions from 2 submitters: Likely pathogenic (1). 1 of the submissions does not count toward it. Last evaluated 2024-05-22.

Conditions:
Chudley-McCullough syndrome (CMCS). Also called: Deafness, autosomal recessive 82; DEAFNESS, SENSORINEURAL, WITH PARTIAL AGENESIS OF THE CORPUS CALLOSUM AND ARACHNOID CYSTS. Identifiers: Orphanet 314597, MedGen C1858695, MONDO:0011411, OMIM 604213.

Submissions (2):

GeneDx
Classification: Likely pathogenic. Last evaluated: 2024-05-22. Review status: criteria provided, single submitter. Criteria: GeneDx Variant Classification Process June 2021. Collection method: clinical testing. Allele origin: germline. Affected: yes.
Comment: Frameshift variant predicted to result in protein truncation or nonsense mediated decay in a gene for which loss of function is a known mechanism of disease; Not observed at significant frequency in large population cohorts (gnomAD); Has not been previously published as pathogenic or benign to our knowledge

CGC Genetics, Unilabs
Classification: Pathogenic for Chudley-McCullough syndrome. Last evaluated: 2024-10-16. Review status: no assertion criteria provided. Collection method: clinical testing. Allele origin: unknown. Inheritance: Autosomal recessive inheritance. Affected: yes. Observed: 1 homozygote. Not counted in ClinVar's aggregate classification.
Comment: It is reported in the gnomAD v2 population database (0.0011%, with 3 heterozygous individuals). It is a frameshift variant that introduces a premature stop codon, which in turn is predicted to lead to the creation of a truncated protein and/or a reduction in its expression due to mRNA degradation. With the information currently available, this should be classified as a pathogenic variant with the following ACMG criteria: PVS1, PM2_supporting, PM3_supporting.

NM_013296.5(GPSM2):c.1337_1338del (p.Phe446fs)

Gene: GPSM2 (G protein signaling modulator 2; plus strand). Cytogenetic location: 1p13.3.
Variant type: Deletion.
Coding change: c.1337_1338del on transcript NM_013296.5 (MANE Select); coding-DNA positions 1337 to 1338, 2 bases deleted (TT; older notation c.1337_1338delTT).
Protein change: p.Phe446fs; shifts the reading frame from phenylalanine 446.
Molecular consequence: frameshift variant.
Genome position (GRCh38, 1-based): chr1:108,918,686-108,918,687, TT deleted; deleting any 2 consecutive bases within chr1:108,918,685-108,918,687 gives the same sequence; the c. name uses the placement nearest the transcript's 3' end. VCF-style (leftmost placement, unchanged base first): chr1-108918684-CTT-C. GRCh37 (hg19) VCF-style: chr1-109461306-CTT-C.
Other names: c.1337_1338del (NM_013296.4); c.1337_1338del, p.Phe446fs (NM_001321038.2, NM_001321039.3); short protein forms F446fs.
Identifiers: ClinVar variation 3363164 (VCV003363164.2).